The following is an entry in ClinVar:

NM_001486.4(GCKR):c.904G>A (p.Ala302Thr)

Gene: GCKR (glucokinase regulator; plus strand). Cytogenetic location: 2p23.3.
Variant type: single nucleotide variant.
Coding change: c.904G>A on transcript NM_001486.4 (MANE Select); coding-DNA position 904, G replaced by A.
Protein change: p.Ala302Thr; replaces alanine 302 with threonine.
Molecular consequence: missense variant.
Genome position (GRCh38, 1-based): chr2:27,506,515, G>A. VCF-style: chr2-27506515-G-A. GRCh37 (hg19) VCF-style: chr2-27729382-G-A.
Other names: short protein forms A302T.
Identifiers: ClinVar variation 2528255 (VCV002528255.4), dbSNP rs201208427, ClinGen allele CA1581774.

ClinVar aggregate classification (germline): Uncertain significance. Review status: criteria provided, multiple submitters, no conflicts (2 of 4 stars). 2 submissions from 2 submitters: Uncertain significance (2). Last evaluated 2026-01-15.

Allele frequency attached by ClinVar (database versions not stated): gnomAD exomes 0.00004; ESP Exome Variant Server 0.00008; TOPMed 0.00008; gnomAD 0.00009; ExAC 0.00012; 1000 Genomes Project 0.00040; 1000 Genomes Project 30x 0.00047.
gnomAD v4.1: 67 of 1,614,022 alleles (0.0042%); highest among the groups gnomAD compares: Admixed American, 0.055%; no homozygotes.

Submissions (2):

Labcorp Genetics (formerly Invitae), Labcorp
Classification: Uncertain significance. Last evaluated: 2026-01-15. Review status: criteria provided, single submitter. Criteria: Invitae Variant Classification Sherloc (09022015). Collection method: clinical testing. Allele origin: germline.
Comment: This sequence change replaces alanine, which is neutral and non-polar, with threonine, which is neutral and polar, at codon 302 of the GCKR protein (p.Ala302Thr). This variant is present in population databases (rs201208427, gnomAD 0.05%). This missense change has been observed in individual(s) with dyslipidemia (PMID: 36325899). ClinVar contains an entry for this variant (Variation ID: 2528255). Invitae Evidence Modeling of protein sequence and biophysical properties (such as structural, functional, and spatial information, amino acid conservation, physicochemical variation, residue mobility, and thermodynamic stability) indicates that this missense variant is not expected to disrupt GCKR protein function with a negative predictive value of 80%. In summary, the available evidence is currently insufficient to determine the role of this variant in disease. Therefore, it has been classified as a Variant of Uncertain Significance.

Ambry Genetics
Classification: Uncertain significance. Last evaluated: 2025-06-24. Review status: criteria provided, single submitter. Criteria: Ambry Variant Classification Scheme 2023. Collection method: clinical testing. Allele origin: germline.

Literature cited by the submitters: PubMed 36325899 (cited by Labcorp Genetics (formerly Invitae), Labcorp).